The following is an entry in ClinVar:

ClinVar aggregate classification (germline): Benign/Likely benign. Review status: criteria provided, multiple submitters, no conflicts (2 of 4 stars). 3 submissions from 3 submitters: Benign (1); Likely benign (2). Last evaluated 2026-05-22.

Conditions:
BCL11B-related disorder. Also called: BCL11B-Related Disorders.
Inborn genetic diseases. Identifiers: MedGen C0950123, MeSH D030342.

Allele frequency attached by ClinVar (database versions not stated): gnomAD 0.00001; TOPMed 0.00003; ESP Exome Variant Server 0.00008.
gnomAD v4.1: 39 of 1,595,554 alleles (0.0024%); highest among the groups gnomAD compares: Admixed American, 0.038%; no homozygotes.

Submissions (3):

PreventionGenetics, part of Exact Sciences
Classification: Likely benign for BCL11B-related condition. Last evaluated: 2026-05-22. Review status: criteria provided, single submitter. Criteria: ACMG Guidelines, 2015. Collection method: clinical testing. Allele origin: germline.
Comment: This variant is classified as likely benign based on ACMG/AMP sequence variant interpretation guidelines (Richards et al. 2015 PMID: 25741868, with internal and published modifications).

Labcorp Genetics (formerly Invitae), Labcorp
Classification: Benign. Last evaluated: 2025-10-10. Review status: criteria provided, single submitter. Criteria: Invitae Variant Classification Sherloc (09022015). Collection method: clinical testing. Allele origin: germline.

Ambry Genetics
Classification: Likely benign for Inborn genetic diseases. Last evaluated: 2024-01-09. Review status: criteria provided, single submitter. Criteria: Ambry Variant Classification Scheme 2023. Collection method: clinical testing. Allele origin: germline.

NM_138576.4(BCL11B):c.551C>T (p.Pro184Leu)

Gene: BCL11B (BCL11 transcription factor B; minus strand). Cytogenetic location: 14q32.2.
Variant type: single nucleotide variant.
Coding change: c.551C>T on transcript NM_138576.4 (MANE Select); coding-DNA position 551, C replaced by T.
Protein change: p.Pro184Leu; replaces proline 184 with leucine.
Molecular consequence: missense variant. On other transcripts: intron variant (2).
Genome position (GRCh38, 1-based): chr14:99,231,434, G>A on the plus strand (C>T on the coding strand, the complement: BCL11B is on the minus strand). VCF-style: chr14-99231434-G-A. GRCh37 (hg19) VCF-style: chr14-99697771-G-A.
Other names: c.548C>T, p.Pro183Leu (NM_001282237.2); c.424+26037C>T (NM_001282238.2); c.427+26037C>T (NM_022898.3); c.551C>T (NM_138576.3, NM_138576.2); short protein forms P183L, P184L.
Identifiers: ClinVar variation 1599970 (VCV001599970.10), dbSNP rs368885255, ClinGen allele CA7339863.